The following is an entry in ClinVar:

NM_018706.7(DHTKD1):c.2711C>G (p.Thr904Arg)

Gene: DHTKD1 (dehydrogenase E1 and transketolase domain containing 1; plus strand). Cytogenetic location: 10p14.
Variant type: single nucleotide variant.
Coding change: c.2711C>G on transcript NM_018706.7 (MANE Select); coding-DNA position 2711, C replaced by G.
Protein change: p.Thr904Arg; replaces threonine 904 with arginine.
Molecular consequence: missense variant.
Genome position (GRCh38, 1-based): chr10:12,120,839, C>G. VCF-style: chr10-12120839-C-G. GRCh37 (hg19) VCF-style: chr10-12162838-C-G.
Other names: short protein forms T904R.
Identifiers: ClinVar variation 4740656 (VCV004740656.1).
Genomic context (GRCh38, chr10:12,120,839, plus strand): 5'-ACTTATAGCTCCGTCTGGTGGGCCGGCCCCCTTTGCCAGTACCCGCTGTAGGAATTGGCA[C>G]AGTTCACTTGCACCAGCATGAAGATATCCTCGCCAAGACCTTCGCTTGATGATGACTTTT-3'
Protein context (NP_061176.4, residues 894-914): PLPVPAVGIG[Thr904Arg]VHLHQHEDIL

ClinVar aggregate classification (germline): Uncertain significance (1 of 4 stars; one submission).

Conditions:
2-aminoadipic 2-oxoadipic aciduria (AAKAD). Also called: Aminoadipic aciduria; ALPHA-AMINOADIPIC AND ALPHA-KETOADIPIC ACIDURIA. Identifiers: Orphanet 79154, MedGen C1859817, MONDO:0008774, OMIM 204750.

Submission:

Labcorp Genetics (formerly Invitae), Labcorp
Classification: Uncertain significance for 2-aminoadipic 2-oxoadipic aciduria. Last evaluated: 2025-12-01. Review status: criteria provided, single submitter. Criteria: Invitae Variant Classification Sherloc (09022015). Collection method: clinical testing. Allele origin: germline.
Comment: This sequence change replaces threonine, which is neutral and polar, with arginine, which is basic and polar, at codon 904 of the DHTKD1 protein (p.Thr904Arg). This variant is not present in population databases (gnomAD no frequency). This variant has not been reported in the literature in individuals affected with DHTKD1-related conditions. Invitae Evidence Modeling of protein sequence and biophysical properties (such as structural, functional, and spatial information, amino acid conservation, physicochemical variation, residue mobility, and thermodynamic stability) indicates that this missense variant is not expected to disrupt DHTKD1 protein function with a negative predictive value of 80%. In summary, the available evidence is currently insufficient to determine the role of this variant in disease. Therefore, it has been classified as a Variant of Uncertain Significance.